The following is an entry in ClinVar:

ClinVar aggregate classification (germline): Conflicting classifications of pathogenicity. Review status: criteria provided, conflicting classifications (1 of 4 stars). 2 submissions from 2 submitters: Uncertain significance (1); Likely benign (1). Last evaluated 2024-02-12.

Conditions:
Developmental and epileptic encephalopathy, 42 (DEE42A). Also called: DEVELOPMENTAL AND EPILEPTIC ENCEPHALOPATHY 42A; EPILEPTIC ENCEPHALOPATHY, EARLY INFANTILE, 42A; Epileptic encephalopathy, early infantile, 42. Identifiers: MedGen C4310716, MONDO:0014917, OMIM 617106.
Episodic ataxia type 2 (EA2). Also called: ACETAZOLAMIDE-RESPONSIVE HEREDITARY PAROXYSMAL CEREBELLAR ATAXIA; ATAXIA, EPISODIC, WITH NYSTAGMUS; ATAXIA, FAMILIAL PAROXYSMAL; CEREBELLAR ATAXIA, PAROXYSMAL, ACETAZOLAMIDE-RESPONSIVE; CEREBELLOPATHY, HEREDITARY PAROXYSMAL; EPISODIC ATAXIA, NYSTAGMUS-ASSOCIATED. Identifiers: Orphanet 97, MedGen C1720416, MONDO:0007163, OMIM 108500.

Allele frequency attached by ClinVar (database versions not stated): TOPMed below 0.00001; ExAC 0.00001; gnomAD 0.00001; gnomAD exomes 0.00002.
gnomAD v4.1: 33 of 1,612,614 alleles (0.002%); highest among the groups gnomAD compares: Non-Finnish European, 0.0028%; no homozygotes.

Submissions (2):

GeneDx
Classification: Uncertain significance. Last evaluated: 2024-02-12. Review status: criteria provided, single submitter. Criteria: GeneDx Variant Classification Process June 2021. Collection method: clinical testing. Allele origin: germline. Affected: yes.
Comment: Not observed at significant frequency in large population cohorts (gnomAD); In silico analysis supports that this missense variant does not alter protein structure/function; Has not been previously published as pathogenic or benign to our knowledge

Labcorp Genetics (formerly Invitae), Labcorp
Classification: Likely benign for Developmental and epileptic encephalopathy, 42; Episodic ataxia type 2. Last evaluated: 2022-03-22. Review status: criteria provided, single submitter. Criteria: Invitae Variant Classification Sherloc (09022015). Collection method: clinical testing. Allele origin: germline.

NM_001127222.2(CACNA1A):c.2443A>G (p.Met815Val)

Gene: CACNA1A (calcium voltage-gated channel subunit alpha1 A; minus strand). Cytogenetic location: 19p13.13.
Variant type: single nucleotide variant.
Coding change: c.2443A>G on transcript NM_001127222.2 (MANE Select); coding-DNA position 2443, A replaced by G.
Protein change: p.Met815Val; replaces methionine 815 with valine.
Molecular consequence: missense variant.
Genome position (GRCh38, 1-based): chr19:13,299,190, T>C on the plus strand (A>G on the coding strand, the complement: CACNA1A is on the minus strand). VCF-style: chr19-13299190-T-C. GRCh37 (hg19) VCF-style: chr19-13410004-T-C.
Other names: c.2455A>G, p.Met819Val (NM_000068.4, NM_023035.3); c.2446A>G, p.Met816Val (NM_001127221.2, NM_001174080.2); short protein forms M816V, M815V, M819V.
Identifiers: ClinVar variation 2064850 (VCV002064850.5), dbSNP rs779928926, ClinGen allele CA9240550.